The following is an entry in ClinVar:

ClinVar aggregate classification (germline): Uncertain significance (1 of 4 stars; one submission).

gnomAD v4.1: 1 of 1,613,658 alleles (0.000062%); highest among the groups gnomAD compares: Non-Finnish European, 0.000085%; no homozygotes.

Submission:

Ambry Genetics
Classification: Uncertain significance. Last evaluated: 2024-12-16. Review status: criteria provided, single submitter. Criteria: Ambry Variant Classification Scheme 2023. Collection method: clinical testing. Allele origin: germline.
Comment: The p.A365V variant (also known as c.1094C>T), located in coding exon 4 of the WNK2 gene, results from a C to T substitution at nucleotide position 1094. The alanine at codon 365 is replaced by valine, an amino acid with similar properties. This amino acid position is conserved. In addition, this alteration is predicted to be deleterious by in silico analysis. Based on the available evidence, the clinical significance of this variant remains unclear.

NM_006648.4(WNK2):c.1094C>T (p.Ala365Val)

Gene: WNK2 (WNK lysine deficient protein kinase 2; plus strand). Cytogenetic location: 9q22.31.
Variant type: single nucleotide variant.
Coding change: c.1094C>T on transcript NM_006648.4 (MANE Select); coding-DNA position 1094, C replaced by T.
Protein change: p.Ala365Val; replaces alanine 365 with valine.
Molecular consequence: missense variant.
Genome position (GRCh38, 1-based): chr9:93,234,826, C>T. VCF-style: chr9-93234826-C-T. GRCh37 (hg19) VCF-style: chr9-95997108-C-T.
Other names: c.1094C>T, p.Ala365Val (NM_001282394.3); short protein forms A365V.
Identifiers: ClinVar variation 3816503 (VCV003816503.1).